The following is an entry in ClinVar:

NM_000203.5(IDUA):c.1206G>A (p.Trp402Ter)

Gene: IDUA (alpha-L-iduronidase; plus strand). Cytogenetic location: 4p16.3.
Variant type: single nucleotide variant.
Coding change: c.1206G>A on transcript NM_000203.5 (MANE Select); coding-DNA position 1206, G replaced by A.
Protein change: p.Trp402Ter; replaces tryptophan 402 with a stop codon.
Molecular consequence: nonsense. On other transcripts: non-coding transcript variant (1).
Genome position (GRCh38, 1-based): chr4:1,002,748, G>A. VCF-style: chr4-1002748-G-A. GRCh37 (hg19) VCF-style: chr4-996536-G-A.
Other names: c.810G>A, p.Trp270Ter (NM_001363576.1); short protein forms W402*, W270*.
Identifiers: ClinVar variation 555230 (VCV000555230.6), dbSNP rs991612107, ClinGen allele CA91169863.

ClinVar aggregate classification (germline): Pathogenic. Review status: criteria provided, multiple submitters, no conflicts (2 of 4 stars). 3 submissions from 3 submitters: Pathogenic (2). 1 of the submissions does not count toward it. Last evaluated 2023-07-06.

Conditions:
Mucopolysaccharidosis type 1. Also called: Mucopolysaccharidosis Type I; IDUA deficiency; MPS I. Identifiers: Orphanet 579, MedGen C0023786, MONDO:0001586.
Hurler syndrome. Also called: Gargoylism, Hurler Syndrome; MUCOPOLYSACCHARIDOSIS TYPE IH; Severe MPS I (Hurler Syndrome). Identifiers: Orphanet 93473, MedGen C0086795, MONDO:0011758, OMIM 607014.

Submissions (3):

Labcorp Genetics (formerly Invitae), Labcorp
Classification: Pathogenic for Mucopolysaccharidosis type 1. Last evaluated: 2023-07-06. Review status: criteria provided, single submitter. Criteria: Invitae Variant Classification Sherloc (09022015). Collection method: clinical testing. Allele origin: germline.
Comment: This variant is not present in population databases (gnomAD no frequency). For these reasons, this variant has been classified as Pathogenic. ClinVar contains an entry for this variant (Variation ID: 555230). This premature translational stop signal has been observed in individual(s) with mucopolysaccharidosis type I (PMID: 24798265). This sequence change creates a premature translational stop signal (p.Trp402*) in the IDUA gene. It is expected to result in an absent or disrupted protein product. Loss-of-function variants in IDUA are known to be pathogenic (PMID: 11735025, 21480867).

Baylor Genetics
Classification: Pathogenic for Hurler syndrome. Last evaluated: 2020-01-23. Review status: criteria provided, single submitter. Criteria: ACMG Guidelines, 2015. Collection method: clinical testing. Allele origin: unknown. Affected: yes.
Comment: This variant was determined to be pathogenic according to ACMG Guidelines, 2015 [PMID:25741868].

Counsyl
Classification: Pathogenic for Hurler syndrome. Last evaluated: 2017-11-29. Review status: no assertion criteria provided. Collection method: clinical testing. Allele origin: unknown. Not counted in ClinVar's aggregate classification.

Literature cited by the submitters: PubMed 24798265 (cited by Labcorp Genetics (formerly Invitae), Labcorp and Counsyl); PubMed 11735025 (cited by Labcorp Genetics (formerly Invitae), Labcorp); PubMed 21480867 (cited by Labcorp Genetics (formerly Invitae), Labcorp).